The following is an entry in ClinVar:

ClinVar aggregate classification (germline): Uncertain significance (1 of 4 stars; one submission).

Conditions:
Early-infantile DEE. Also called: Early infantile epileptic encephalopathy; Ohtahara syndrome; Early infantile epileptic encephalopathy with suppression bursts. Identifiers: Orphanet 1934, MedGen C0393706, MONDO:0800491.

Allele frequency attached by ClinVar (database versions not stated): gnomAD exomes below 0.00001; gnomAD 0.00001.
gnomAD v4.1: 3 of 1,614,160 alleles (0.00019%); highest among the groups gnomAD compares: East Asian, 0.0045%; no homozygotes.

Submission:

Labcorp Genetics (formerly Invitae), Labcorp
Classification: Uncertain significance for Early-infantile DEE. Last evaluated: 2025-08-04. Review status: criteria provided, single submitter. Criteria: Invitae Variant Classification Sherloc (09022015). Collection method: clinical testing. Allele origin: germline.
Comment: This sequence change replaces asparagine, which is neutral and polar, with aspartic acid, which is acidic and polar, at codon 743 of the KCNH5 protein (p.Asn743Asp). This variant is not present in population databases (gnomAD no frequency). This variant has not been reported in the literature in individuals affected with KCNH5-related conditions. ClinVar contains an entry for this variant (Variation ID: 2194000). Invitae Evidence Modeling of protein sequence and biophysical properties (such as structural, functional, and spatial information, amino acid conservation, physicochemical variation, residue mobility, and thermodynamic stability) indicates that this missense variant is not expected to disrupt KCNH5 protein function with a negative predictive value of 95%. In summary, the available evidence is currently insufficient to determine the role of this variant in disease. Therefore, it has been classified as a Variant of Uncertain Significance.

NM_139318.5(KCNH5):c.2227A>G (p.Asn743Asp)

Gene: KCNH5 (potassium voltage-gated channel subfamily H member 5; minus strand). Cytogenetic location: 14q23.2.
Variant type: single nucleotide variant.
Coding change: c.2227A>G on transcript NM_139318.5 (MANE Select); coding-DNA position 2227, A replaced by G.
Protein change: p.Asn743Asp; replaces asparagine 743 with aspartic acid.
Molecular consequence: missense variant. On other transcripts: 3 prime UTR variant (1).
Genome position (GRCh38, 1-based): chr14:62,708,248, T>C on the plus strand (A>G on the coding strand, the complement: KCNH5 is on the minus strand). VCF-style: chr14-62708248-T-C. GRCh37 (hg19) VCF-style: chr14-63174966-T-C.
Other names: c.*194A>G (NM_172375.3); short protein forms N743D.
Identifiers: ClinVar variation 2194000 (VCV002194000.4), dbSNP rs1405323297, ClinGen allele CA390101062.